The following is an entry in ClinVar:

NM_000419.5(ITGA2B):c.671-15T>C

Gene: ITGA2B (integrin subunit alpha 2b; minus strand). Cytogenetic location: 17q21.31.
Variant type: single nucleotide variant.
Coding change: c.671-15T>C on transcript NM_000419.5 (MANE Select); 15 bases into the intron before coding-DNA position 671, T replaced by C.
Molecular consequence: intron variant.
Genome position (GRCh38, 1-based): chr17:44,385,091, A>G on the plus strand (T>C on the coding strand, the complement: ITGA2B is on the minus strand). VCF-style: chr17-44385091-A-G. GRCh37 (hg19) VCF-style: chr17-42462459-A-G.
Other names: c.671-15T>C (LRG_479t1).
Identifiers: ClinVar variation 323565 (VCV000323565.9), dbSNP rs200877591, ClinGen allele CA8603375.

ClinVar aggregate classification (germline): Likely benign. Review status: reviewed by expert panel (3 of 4 stars). 3 submissions from 3 submitters: Likely benign (1). 2 of the submissions do not count toward it. Last evaluated 2023-09-07.

Conditions:
Glanzmann thrombasthenia. Also called: PLATELET GLYCOPROTEIN IIb-IIIa DEFICIENCY; Thrombasthenia; Glanzmann's thrombasthenia; BLEEDING DISORDER, PLATELET-TYPE, 2; THROMBASTHENIA OF GLANZMANN AND NAEGELI. Identifiers: Orphanet 849, MedGen C0040015, MONDO:0100326.

Allele frequency attached by ClinVar (database versions not stated): TOPMed 0.00005; gnomAD 0.00007 and 0.00008; gnomAD exomes 0.00009 and 0.00010; ExAC 0.00011; ESP Exome Variant Server 0.00031.
gnomAD v4.1: 151 of 1,613,972 alleles (0.0094%); highest among the groups gnomAD compares: Non-Finnish European, 0.012%; no homozygotes.

Submissions (3):

ClinGen Platelet Disorders Variant Curation Expert Panel, ClinGen
Classification: Likely benign for Glanzmann thrombasthenia. Last evaluated: 2023-09-07. Review status: reviewed by expert panel. Criteria: ClinGen Platelet ACMG Specifications v2-1. Collection method: curation. Allele origin: germline. Inheritance: Autosomal recessive inheritance.
Comment: After a comprehensive literature search of the intronic variant NM_000419.5(ITGA2B):c.671-15T>C, no individuals with Glanzmann Thrombasthenia were reported with the variant. The variant was originally identified by Illumina from a predisposition screen in an ostensibly healthy population. The variant has a minor allele frequency of 0.0001859 (24/129086 alleles) in the European (Non-Finnish) population, which is lower than the ClinGen PD VCEP threshold (>0.00158) for BS1 but higher than the threshold (<0.0001) for PM2_Supporting. In silico predictor spliceAI revealed that the intronic mutation is not expected to impact splicing and a PhyloP score of -0.458 shows that the nucleotide position is not highly conserved (BP4, BP7). In summary, this variant meets the criteria to be classified as Likely Benign for autosomal recessive Glanzmann Thrombasthenia based on the ACMG/AMP criteria applied, as specified by the ClinGen PD VCEP: BP4 and BP7 (PD VCEP specifications version 2.1).

Labcorp Genetics (formerly Invitae), Labcorp
Classification: Likely benign for Glanzmann thrombasthenia. Last evaluated: 2025-11-19. Review status: criteria provided, single submitter. Criteria: Invitae Variant Classification Sherloc (09022015). Collection method: clinical testing. Allele origin: germline. Not counted in ClinVar's aggregate classification.

Illumina Laboratory Services, Illumina
Classification: Uncertain significance for Glanzmann thrombasthenia 1. Last evaluated: 2018-01-13. Review status: criteria provided, single submitter. Criteria: ICSL Variant Classification Criteria 13 December 2019. Collection method: clinical testing. Allele origin: germline. Not counted in ClinVar's aggregate classification.